The following is an entry in ClinVar:

ClinVar aggregate classification (germline): Uncertain significance (1 of 4 stars; one submission).

Allele frequency attached by ClinVar (database versions not stated): gnomAD 0.00001.
gnomAD v4.1: 3 of 1,613,908 alleles (0.00019%); highest among the groups gnomAD compares: Admixed American, 0.0033%; no homozygotes.

Submission:

Ambry Genetics
Classification: Uncertain significance. Last evaluated: 2021-12-20. Review status: criteria provided, single submitter. Criteria: Ambry Variant Classification Scheme 2023. Collection method: clinical testing. Allele origin: germline.
Comment: The p.M395I variant (also known as c.1185G>C), located in coding exon 12 of the PRKDC gene, results from a G to C substitution at nucleotide position 1185. The methionine at codon 395 is replaced by isoleucine, an amino acid with highly similar properties. This amino acid position is conserved. In addition, this alteration is predicted to be tolerated by in silico analysis. Since supporting evidence is limited at this time, the clinical significance of this alteration remains unclear.

NM_006904.7(PRKDC):c.1185G>C (p.Met395Ile)

Gene: PRKDC (protein kinase, DNA-activated, catalytic subunit; minus strand). Cytogenetic location: 8q11.21.
Variant type: single nucleotide variant.
Coding change: c.1185G>C on transcript NM_006904.7 (MANE Select); coding-DNA position 1185, G replaced by C.
Protein change: p.Met395Ile; replaces methionine 395 with isoleucine.
Molecular consequence: missense variant.
Genome position (GRCh38, 1-based): chr8:47,936,446, C>G on the plus strand (G>C on the coding strand, the complement: PRKDC is on the minus strand). VCF-style: chr8-47936446-C-G. GRCh37 (hg19) VCF-style: chr8-48849006-C-G.
Other names: c.1185G>C, p.Met395Ile (NM_001081640.2); short protein forms M395I.
Identifiers: ClinVar variation 1743302 (VCV001743302.2), dbSNP rs1055923070, ClinGen allele CA176166652.
Genomic context (GRCh38, chr8:47,936,446, plus strand): 5'-CTGGAGGAAGCTTGGCATCTGATAAACACGGTCGTCACCAGTGTCTGTCTGGGTGAGGAA[C>G]ATCTGCTTGCAGCGCTGAATGAGCTCAACGTACATGAAGTCAACATCTTTTGCGTTTATA-3'
Protein context (NP_008835.5, residues 385-405): YVELIQRCKQ[Met395Ile]FLTQTDTGDD